The following is an entry in ClinVar:

ClinVar aggregate classification (germline): Pathogenic (1 of 4 stars; one submission).

Conditions:
CHD7 Disorder. Identifiers: MedGen CN381339.

Submission:

Division of Genetic & Genomic Pathology, Hong Kong Children's Hospital
Classification: Pathogenic for CHD7 Disorder. Last evaluated: 2026-01-08. Review status: criteria provided, single submitter. Criteria: ACMG Guidelines, 2015. Collection method: clinical testing. Allele origin: de novo. Affected: yes.
Comment: CHD7 c.229C>T p.(Gln77*) is a nonsense variant in exon 2 of 38 of the CHD7 gene. The variant is predicted to result in loss of protein function by nonsense-mediated mRNA decay. CHD7 c.229C>T p.(Gln77*) is absent from population control databases (gnomAD v2.1.1 and v4.1.0). The variant has not been submitted to Clinvar or to HGMD (v2025.1). For these reasons, CHD7 c.229C>T p.(Gln77*) is a pathogenic variant.

NM_017780.4(CHD7):c.229C>T (p.Gln77Ter)

Gene: CHD7 (chromodomain helicase DNA binding protein 7; plus strand). Cytogenetic location: 8q12.2.
Variant type: single nucleotide variant.
Coding change: c.229C>T on transcript NM_017780.4 (MANE Select); coding-DNA position 229, C replaced by T.
Protein change: p.Gln77Ter; replaces glutamine 77 with a stop codon.
Molecular consequence: nonsense.
Genome position (GRCh38, 1-based): chr8:60,741,661, C>T. VCF-style: chr8-60741661-C-T. GRCh37 (hg19) VCF-style: chr8-61654220-C-T.
Other names: c.229C>T, p.Gln77Ter (NM_001316690.1); short protein forms Q77*.
Identifiers: ClinVar variation 5020101 (VCV005020101.1).